The following is an entry in ClinVar:

NM_000492.4(CFTR):c.424A>G (p.Ile142Val)

Gene: CFTR (CF transmembrane conductance regulator; plus strand). Cytogenetic location: 7q31.2.
Variant type: single nucleotide variant.
Coding change: c.424A>G on transcript NM_000492.4 (MANE Select); coding-DNA position 424, A replaced by G.
Protein change: p.Ile142Val; replaces isoleucine 142 with valine.
Molecular consequence: missense variant.
Genome position (GRCh38, 1-based): chr7:117,531,049, A>G. VCF-style: chr7-117531049-A-G. GRCh37 (hg19) VCF-style: chr7-117171103-A-G.
Other names: short protein forms I142V.
Identifiers: ClinVar variation 569342 (VCV000569342.5), dbSNP rs1562889369, ClinGen allele CA368974760.
Genomic context (GRCh38, chr7:117,531,049, plus strand): 5'-TATCTAGGCATAGGCTTATGCCTTCTCTTTATTGTGAGGACACTGCTCCTACACCCAGCC[A>G]TTTTTGGCCTTCATCACATTGGAATGCAGATGAGAATAGCTATGTTTAGTTTGATTTATA-3'
Protein context (NP_000483.3, residues 132-152): IVRTLLLHPA[Ile142Val]FGLHHIGMQM

ClinVar aggregate classification (germline): Uncertain significance. Review status: criteria provided, multiple submitters, no conflicts (2 of 4 stars). 3 submissions from 3 submitters: Uncertain significance (2). 1 of the submissions does not count toward it. Last evaluated 2025-04-09.

Conditions:
CFTR-related disorder (CFTR-RD). Also called: CFTR-related disorders; CFTR-related condition. Identifiers: MedGen C5924204, MONDO:7770004.
Cystic fibrosis (CF). Also called: MUCOVISCIDOSIS. Identifiers: Orphanet 586, MedGen C0010674, MONDO:0009061, OMIM 219700. Disease mechanism: loss of function.

Allele frequency attached by ClinVar (database versions not stated): gnomAD exomes below 0.00001.
gnomAD v4.1: 2 of 1,613,698 alleles (0.00012%); highest among the groups gnomAD compares: Non-Finnish European, 0.00017%; no homozygotes.

Submissions (3):

PreventionGenetics, part of Exact Sciences
Classification: Uncertain significance for CFTR-related condition. Last evaluated: 2025-04-09. Review status: criteria provided, single submitter. Criteria: ACMG Guidelines, 2015. Collection method: clinical testing. Allele origin: germline.
Comment: The CFTR c.424A>G variant is predicted to result in the amino acid substitution p.Ile142Val. To our knowledge, this variant has not been reported in the literature or in a large population database (gnomAD), indicating this variant is rare. At this time, the clinical significance of this variant is uncertain due to the absence of conclusive functional and genetic evidence.

Labcorp Genetics (formerly Invitae), Labcorp
Classification: Uncertain significance for Cystic fibrosis. Last evaluated: 2021-09-01. Review status: criteria provided, single submitter. Criteria: Invitae Variant Classification Sherloc (09022015). Collection method: clinical testing. Allele origin: germline.
Comment: This sequence change replaces isoleucine with valine at codon 142 of the CFTR protein (p.Ile142Val). The isoleucine residue is moderately conserved and there is a small physicochemical difference between isoleucine and valine. This variant is not present in population databases (ExAC no frequency). This variant has not been reported in the literature in individuals affected with CFTR-related conditions. Algorithms developed to predict the effect of missense changes on protein structure and function (SIFT, PolyPhen-2, Align-GVGD) all suggest that this variant is likely to be tolerated. In summary, the available evidence is currently insufficient to determine the role of this variant in disease. Therefore, it has been classified as a Variant of Uncertain Significance.

Natera, Inc.
Classification: Uncertain significance for CFTR-related disorders. Last evaluated: 2020-11-16. Review status: no assertion criteria provided. Collection method: clinical testing. Allele origin: germline. Not counted in ClinVar's aggregate classification.